The following is an entry in ClinVar:

NM_017934.7(PHIP):c.3089C>T (p.Thr1030Ile)

Genes: IRAK1BP1 (interleukin 1 receptor associated kinase 1 binding protein 1; plus strand), PHIP (PHIP subunit of CUL4-Ring ligase complex; minus strand). Cytogenetic location: 6q14.1.
Variant type: single nucleotide variant.
Coding change: c.3089C>T on transcript NM_017934.7 (MANE Select); coding-DNA position 3089, C replaced by T.
Protein change: p.Thr1030Ile; replaces threonine 1030 with isoleucine.
Molecular consequence: missense variant.
Genome position (GRCh38, 1-based): chr6:78,970,082, G>A on the plus strand (C>T on the coding strand, the complement: PHIP is on the minus strand). VCF-style: chr6-78970082-G-A. GRCh37 (hg19) VCF-style: chr6-79679799-G-A.
Other names: c.3089C>T (NM_017934.6); short protein forms T1030I.
Identifiers: ClinVar variation 2184311 (VCV002184311.6), dbSNP rs1250437944, ClinGen allele CA364647840.

ClinVar aggregate classification (germline): Uncertain significance. Review status: criteria provided, multiple submitters, no conflicts (2 of 4 stars). 2 submissions from 2 submitters: Uncertain significance (2). Last evaluated 2025-09-03.

Conditions:
PHIP-related disorder. Also called: PHIP-related disorders; PHIP-related condition.

Allele frequency attached by ClinVar (database versions not stated): gnomAD exomes below 0.00001; gnomAD 0.00002.
gnomAD v4.1: 4 of 1,613,410 alleles (0.00025%); highest among the groups gnomAD compares: Non-Finnish European, 0.00034%; no homozygotes.

Submissions (2):

PreventionGenetics, part of Exact Sciences
Classification: Uncertain significance for PHIP-related condition. Last evaluated: 2025-09-03. Review status: criteria provided, single submitter. Criteria: ACMG Guidelines, 2015. Collection method: clinical testing. Allele origin: germline.
Comment: The PHIP c.3089C>T variant is predicted to result in the amino acid substitution p.Thr1030Ile. To our knowledge, this variant has not been reported in the literature. This variant is reported in 0.0065% of alleles in individuals of European (Non-Finnish) descent in gnomAD. At this time, the clinical significance of this variant is uncertain due to the absence of conclusive functional and genetic evidence.

Labcorp Genetics (formerly Invitae), Labcorp
Classification: Uncertain significance. Last evaluated: 2024-01-22. Review status: criteria provided, single submitter. Criteria: Invitae Variant Classification Sherloc (09022015). Collection method: clinical testing. Allele origin: germline.
Comment: This sequence change replaces threonine, which is neutral and polar, with isoleucine, which is neutral and non-polar, at codon 1030 of the PHIP protein (p.Thr1030Ile). This variant is present in population databases (no rsID available, gnomAD 0.007%). This variant has not been reported in the literature in individuals affected with PHIP-related conditions. ClinVar contains an entry for this variant (Variation ID: 2184311). Advanced modeling of protein sequence and biophysical properties (such as structural, functional, and spatial information, amino acid conservation, physicochemical variation, residue mobility, and thermodynamic stability) has been performed at Invitae for this missense variant, however the output from this modeling did not meet the statistical confidence thresholds required to predict the impact of this variant on PHIP protein function. In summary, the available evidence is currently insufficient to determine the role of this variant in disease. Therefore, it has been classified as a Variant of Uncertain Significance.